The following is an entry in ClinVar:

ClinVar aggregate classification (germline): no classifications from unflagged records (0 of 4 stars; one submission).

Conditions:
Charcot-Marie-Tooth disease axonal type 2U. Also called: CHARCOT-MARIE-TOOTH NEUROPATHY, TYPE 2U; CHARCOT-MARIE-TOOTH DISEASE, AXONAL, AUTOSOMAL DOMINANT, TYPE 2U. Identifiers: Orphanet 397735, MedGen C4084821, MONDO:0014566, OMIM 616280.

Submission:

Zotz-Klimas Genetics Lab, MVZ Zotz Klimas
Classification: Likely pathogenic for Charcot-Marie-Tooth disease axonal type 2U. Last evaluated: 2023-10-30. Review status: flagged submission. Collection method: clinical testing. Allele origin: germline. Affected: yes.
ClinVar note: Notes: Flagging candidate with reason of insufficient supporting evidence. This gene has been classified as having a limited gene-disease relationship by a ClinGen Expert Panel.
ClinVar note: Reason: Other

NM_004990.4(MARS1):c.638dup (p.Arg214fs)

Gene: MARS1 (methionyl-tRNA synthetase 1; plus strand). Cytogenetic location: 12q13.3.
Variant type: Duplication.
Coding change: c.638dup on transcript NM_004990.4 (MANE Select); coding-DNA position 638, one base duplicated (G; older notation c.638dupG).
Protein change: p.Arg214fs; shifts the reading frame from arginine 214.
Molecular consequence: frameshift variant.
Genome position (GRCh38, 1-based): chr12:57,490,354, G duplicated; the last of 3 consecutive G bases (chr12:57,490,352-57,490,354); duplicating any one gives the same sequence. VCF-style (leftmost placement, unchanged base first): chr12-57490351-A-AG. GRCh37 (hg19) VCF-style: chr12-57884134-A-AG.
Other names: short protein forms R214fs.
Identifiers: ClinVar variation 2627057 (VCV002627057.1), dbSNP rs2540261239, ClinGen allele CA2582341790.